The following is an entry in ClinVar:

ClinVar aggregate classification (germline): Uncertain significance. Review status: criteria provided, multiple submitters, no conflicts (2 of 4 stars). 2 submissions from 2 submitters: Uncertain significance (2). Last evaluated 2026-01-27.

Conditions:
Muscle AMP deaminase deficiency (MMDD). Also called: AMPD1 DEFICIENCY; ADENOSINE MONOPHOSPHATE DEAMINASE-1 DEFICIENCY, MYOPATHY DUE TO; Myoadenylate deaminase deficiency, myopathy due to; Adenosine monophosphate deaminase 1 deficiency; AMP deaminase 1 deficiency; Adenosine Monophosphate Deaminase 1. Identifiers: Orphanet 45, MedGen C3714933, MONDO:0014220, OMIM 615511.

Allele frequency attached by ClinVar (database versions not stated): ESP Exome Variant Server 0.00008; gnomAD 0.00011; TOPMed 0.00012; 1000 Genomes Project 30x 0.00016; ExAC 0.00017; gnomAD exomes 0.00017; 1000 Genomes Project 0.00020.
gnomAD v4.1: 163 of 1,614,034 alleles (0.01%); highest among the groups gnomAD compares: Middle Eastern, 0.12%; no homozygotes.

Submissions (2):

Labcorp Genetics (formerly Invitae), Labcorp
Classification: Uncertain significance for Muscle AMP deaminase deficiency. Last evaluated: 2026-01-27. Review status: criteria provided, single submitter. Criteria: Invitae Variant Classification Sherloc (09022015). Collection method: clinical testing. Allele origin: germline.
Comment: This sequence change replaces arginine, which is basic and polar, with tryptophan, which is neutral and slightly polar, at codon 749 of the AMPD1 protein (p.Arg749Trp). This variant is present in population databases (rs143596876, gnomAD 0.05%). This variant has not been reported in the literature in individuals affected with AMPD1-related conditions. ClinVar contains an entry for this variant (Variation ID: 1425905). Invitae Evidence Modeling of protein sequence and biophysical properties (such as structural, functional, and spatial information, amino acid conservation, physicochemical variation, residue mobility, and thermodynamic stability) indicates that this missense variant is not expected to disrupt AMPD1 protein function with a negative predictive value of 80%. In summary, the available evidence is currently insufficient to determine the role of this variant in disease. Therefore, it has been classified as a Variant of Uncertain Significance.

Revvity Omics, Revvity
Classification: Uncertain significance for Muscle AMP deaminase deficiency. Last evaluated: 2019-10-30. Review status: criteria provided, single submitter. Criteria: ACMG Guidelines, 2015. Collection method: clinical testing. Allele origin: germline.

NM_000036.3(AMPD1):c.2146C>T (p.Arg716Trp)

Gene: AMPD1 (adenosine monophosphate deaminase 1; minus strand). Cytogenetic location: 1p13.2.
Variant type: single nucleotide variant.
Coding change: c.2146C>T on transcript NM_000036.3 (MANE Select); coding-DNA position 2146, C replaced by T.
Protein change: p.Arg716Trp; replaces arginine 716 with tryptophan.
Molecular consequence: missense variant.
Genome position (GRCh38, 1-based): chr1:114,673,212, G>A on the plus strand (C>T on the coding strand, the complement: AMPD1 is on the minus strand). VCF-style: chr1-114673212-G-A. GRCh37 (hg19) VCF-style: chr1-115215833-G-A.
Other names: c.2134C>T, p.Arg712Trp (NM_001172626.2); c.2245C>T (NM_000036.2); short protein forms R716W, R712W.
Identifiers: ClinVar variation 1425905 (VCV001425905.8), dbSNP rs143596876, ClinGen allele CA1019912.